The following is an entry in ClinVar:

ClinVar aggregate classification (germline): Pathogenic (1 of 4 stars; one submission).

Conditions:
Ataxia-telangiectasia syndrome (AT). Also called: Ataxia-telangiectasia, complementation group D; AT, COMPLEMENTATION GROUP C; ATAXIA-TELANGIECTASIA, COMPLEMENTATION GROUP A; ATAXIA-TELANGIECTASIA, FRESNO VARIANT; Ataxia-telangiectasia; Ataxia-telangiectasia, complementation group E. Identifiers: Orphanet 100, MedGen C0004135, MONDO:0008840, OMIM 208900.

Submission:

Labcorp Genetics (formerly Invitae), Labcorp
Classification: Pathogenic for Ataxia-telangiectasia syndrome. Last evaluated: 2025-12-20. Review status: criteria provided, single submitter. Criteria: Invitae Variant Classification Sherloc (09022015). Collection method: clinical testing. Allele origin: germline.
Comment: This sequence change creates a premature translational stop signal (p.Val2256*) in the ATM gene. It is expected to result in an absent or disrupted protein product. Loss-of-function variants in ATM are known to be pathogenic (PMID: 23807571, 25614872). This variant is not present in population databases (gnomAD no frequency). This variant has not been reported in the literature in individuals affected with ATM-related conditions. For these reasons, this variant has been classified as Pathogenic.

Literature cited by the submitters: PubMed 23807571; PubMed 25614872.

NM_000051.4(ATM):c.6766del (p.Leu2255_Val2256insTer)

Genes: ATM (ATM serine/threonine kinase; plus strand), C11orf65 (chromosome 11 open reading frame 65; minus strand). Cytogenetic location: 11q22.3.
Variant type: Deletion.
Coding change: c.6766del on transcript NM_000051.4 (MANE Select); coding-DNA position 6766, one base deleted (G; older notation c.6766delG).
Protein change: p.Leu2255_Val2256insTer.
Molecular consequence: nonsense. On other transcripts: intron variant (2).
Genome position (GRCh38, 1-based): chr11:108,325,503, G deleted. VCF-style (leftmost placement, unchanged base first): chr11-108325502-TG-T. GRCh37 (hg19) VCF-style: chr11-108196229-TG-T.
Other names: c.6766del, p.Leu2255_Val2256insTer (NM_001351834.2); c.641-16432del (NM_001330368.2); c.*38+9717del (NM_001351110.2).
Identifiers: ClinVar variation 4733672 (VCV004733672.1).